The following is an entry in ClinVar:

NM_006415.4(SPTLC1):c.1072G>C (p.Glu358Gln)

Gene: SPTLC1 (serine palmitoyltransferase long chain base subunit 1; minus strand). Cytogenetic location: 9q22.31.
Variant type: single nucleotide variant.
Coding change: c.1072G>C on transcript NM_006415.4 (MANE Select); coding-DNA position 1072, G replaced by C.
Protein change: p.Glu358Gln; replaces glutamic acid 358 with glutamine.
Molecular consequence: missense variant.
Genome position (GRCh38, 1-based): chr9:92,047,181, C>G on the plus strand (G>C on the coding strand, the complement: SPTLC1 is on the minus strand). VCF-style: chr9-92047181-C-G. GRCh37 (hg19) VCF-style: chr9-94809463-C-G.
Other names: c.1072G>C, p.Glu358Gln (NM_001281303.2); c.706G>C, p.Glu236Gln (NM_001368272.1); c.607G>C, p.Glu203Gln (NM_001368273.1); short protein forms E358Q, E203Q, E236Q.
Identifiers: ClinVar variation 209194 (VCV000209194.2), dbSNP rs797045071, ClinGen allele CA276171.
Genomic context (GRCh38, chr9:92,047,181, plus strand): 5'-CTAACGTAACCTGAAATCTCTTTGATTCCTTGGGTTTTTAAAGGGTTATACCTGGATTCT[C>G]TTCCATGATGTTGAGGGCCTCAATTGCTGCAGCAGCTAACAGGGGAGGTAACGAAGCTGA-3'
Protein context (NP_006406.1, residues 348-368): AAIEALNIME[Glu358Gln]NPGIFAVLKE

ClinVar aggregate classification (germline): Likely pathogenic (1 of 4 stars; one submission).

Conditions:
Hereditary sensory and autonomic neuropathy type 1 (HSAN1). Also called: HSN Type I; Hereditary Sensory Neuropathy Type I; HSAN 1. Identifiers: Orphanet 36386, MedGen C0020071, MONDO:0018213.

Submission:

Baylor Genetics
Classification: Likely pathogenic for Neuropathy hereditary sensory and autonomic type 1. Last evaluated: 2014-08-22. Review status: criteria provided, single submitter. Criteria: Yang et al. 2013. Collection method: clinical testing. Allele origin: paternal. Inheritance: Autosomal dominant inheritance. Affected: yes. Observed: 1 variant allele, 1 heterozygote. Study: Adult_WES.

Literature cited by the submitters: PubMed 26633545.